The following is an entry in ClinVar:

NM_182961.4(SYNE1):c.22253A>G (p.Tyr7418Cys)

Gene: SYNE1 (spectrin repeat containing nuclear envelope protein 1; minus strand). Cytogenetic location: 6q25.2.
Variant type: single nucleotide variant.
Coding change: c.22253A>G on transcript NM_182961.4 (MANE Select); coding-DNA position 22253, A replaced by G.
Protein change: p.Tyr7418Cys; replaces tyrosine 7418 with cysteine.
Molecular consequence: missense variant.
Genome position (GRCh38, 1-based): chr6:152,214,999, T>C on the plus strand (A>G on the coding strand, the complement: SYNE1 is on the minus strand). VCF-style: chr6-152214999-T-C. GRCh37 (hg19) VCF-style: chr6-152536134-T-C.
Other names: c.22040A>G, p.Tyr7347Cys (NM_033071.5); short protein forms Y7418C, Y7347C.
Identifiers: ClinVar variation 843827 (VCV000843827.11), dbSNP rs554483231, ClinGen allele CA4053922.

ClinVar aggregate classification (germline): Uncertain significance. Review status: criteria provided, multiple submitters, no conflicts (2 of 4 stars). 2 submissions from 2 submitters: Uncertain significance (2). Last evaluated 2023-11-13.

Conditions:
Emery-Dreifuss muscular dystrophy 4, autosomal dominant (EDMD4). Also called: EMERY-DREIFUSS MUSCULAR DYSTROPHY 4 WITH VARIABLE FEATURES. Identifiers: Orphanet 261, MedGen C2751807, MONDO:0013071, OMIM 612998.
Autosomal recessive ataxia, Beauce type. Also called: Spinocerebellar ataxia, autosomal recessive 8; ATAXIA, RECESSIVE, OF BEAUCE; SYNE1-Related Autosomal Recessive Cerebellar Ataxia; SYNE1 Deficiency. Identifiers: Orphanet 88644, MedGen C1853116, MONDO:0012549, OMIM 610743.

Allele frequency attached by ClinVar (database versions not stated): 1000 Genomes Project below 0.00001; gnomAD below 0.00001 and 0.00004; TOPMed 0.00002; gnomAD exomes 0.00023; ExAC 0.00029.
gnomAD v4.1: 175 of 1,614,178 alleles (0.011%); highest among the groups gnomAD compares: South Asian, 0.18%; no homozygotes.

Submissions (3):

Labcorp Genetics (formerly Invitae), Labcorp
Classification: Uncertain significance for Emery-Dreifuss muscular dystrophy 4, autosomal dominant; Autosomal recessive ataxia, Beauce type. Last evaluated: 2023-11-13. Review status: criteria provided, single submitter. Criteria: Invitae Variant Classification Sherloc (09022015). Collection method: clinical testing. Allele origin: germline.
Comment: This sequence change replaces tyrosine, which is neutral and polar, with cysteine, which is neutral and slightly polar, at codon 7347 of the SYNE1 protein (p.Tyr7347Cys). This variant is present in population databases (rs554483231, gnomAD 0.2%). This variant has not been reported in the literature in individuals affected with SYNE1-related conditions. ClinVar contains an entry for this variant (Variation ID: 843827). An algorithm developed to predict the effect of missense changes on protein structure and function (PolyPhen-2) suggests that this variant is likely to be disruptive. In summary, the available evidence is currently insufficient to determine the role of this variant in disease. Therefore, it has been classified as a Variant of Uncertain Significance.

Revvity Omics, Revvity
Classification: Uncertain significance. Last evaluated: 2023-08-07. Review status: criteria provided, single submitter. Criteria: ACMG Guidelines, 2015. Collection method: clinical testing. Allele origin: germline.

Dr. Peter K. Rogan Lab, Western University
No classification provided (evidence only). Condition: Ovarian serous cystadenocarcinoma. Review status: no classification provided. Collection method: in vitro. Allele origin: not applicable. Functional consequence: retained intron. Not counted in ClinVar's aggregate classification.